The following is an entry in ClinVar:

NM_001023570.4(IQCB1):c.1567+5del

Gene: IQCB1 (IQ motif containing B1; minus strand). Cytogenetic location: 3q13.33.
Variant type: Deletion.
Coding change: c.1567+5del on transcript NM_001023570.4 (MANE Select); 5 bases into the intron after coding-DNA position 1567, one base deleted (G; older notation c.1567+5delG).
Molecular consequence: intron variant.
Genome position (GRCh38, 1-based): chr3:121,772,552, C deleted on the plus strand (G on the coding strand, the reverse complement: IQCB1 is on the minus strand). VCF-style (leftmost placement, unchanged base first): chr3-121772551-AC-A. GRCh37 (hg19) VCF-style: chr3-121491398-AC-A.
Other names: c.1567+5del (NM_001319107.2); c.1168+5del (NM_001023571.4); c.1567+5delG (NM_001023570.3).
Identifiers: ClinVar variation 853773 (VCV000853773.8), dbSNP rs1318948819, ClinGen allele CA545635959.

ClinVar aggregate classification (germline): Uncertain significance. Review status: criteria provided, multiple submitters, no conflicts (2 of 4 stars). 3 submissions from 3 submitters: Uncertain significance (3). Last evaluated 2026-02-10.

Conditions:
IQCB1-related disorder. Also called: IQCB1-related condition.
Nephronophthisis. Also called: Juvenile Nephronophthisis. Identifiers: Orphanet 655, MedGen C0687120, MONDO:0019005, HP:0000090.

Allele frequency attached by ClinVar (database versions not stated): gnomAD 0.00001; gnomAD exomes 0.00001 and 0.00002; TOPMed 0.00001.

Submissions (3):

PreventionGenetics, part of Exact Sciences
Classification: Uncertain significance for IQCB1-related condition. Last evaluated: 2026-02-10. Review status: criteria provided, single submitter. Criteria: ACMG Guidelines, 2015. Collection method: clinical testing. Allele origin: germline.
Comment: The IQCB1 c.1567+5delG variant is predicted to result in an intronic deletion. This variant is predicted to impair splicing based on one available splicing prediction algorithm (SpliceAI, Jaganathan et al. 2019. PubMed ID: 30661751). To our knowledge, this variant has not been reported in the literature. This variant is reported in 0.012% of alleles in individuals of Latino descent in gnomAD. At this time, the clinical significance of this variant is uncertain due to the absence of conclusive functional and genetic evidence.

Labcorp Genetics (formerly Invitae), Labcorp
Classification: Uncertain significance for Nephronophthisis. Last evaluated: 2025-05-27. Review status: criteria provided, single submitter. Criteria: Invitae Variant Classification Sherloc (09022015). Collection method: clinical testing. Allele origin: germline.
Comment: This sequence change falls in intron 14 of the IQCB1 gene. It does not directly change the encoded amino acid sequence of the IQCB1 protein. It affects a nucleotide within the consensus splice site. This variant is present in population databases (no rsID available, gnomAD 0.01%). This variant has been observed in individual(s) with clinical features of IQCB1-related conditions (internal data). ClinVar contains an entry for this variant (Variation ID: 853773). Variants that disrupt the consensus splice site are a relatively common cause of aberrant splicing (PMID: 17576681, 9536098). Algorithms developed to predict the effect of sequence changes on RNA splicing suggest that this variant may disrupt the consensus splice site. In summary, the available evidence is currently insufficient to determine the role of this variant in disease. Therefore, it has been classified as a Variant of Uncertain Significance.

Blueprint Genetics
Classification: Uncertain significance. Last evaluated: 2023-10-23. Review status: criteria provided, single submitter. Criteria: ACMG Guidelines, 2015. Collection method: clinical testing. Allele origin: germline.

Literature cited by the submitters: PubMed 17576681 (cited by Labcorp Genetics (formerly Invitae), Labcorp); PubMed 9536098 (cited by Labcorp Genetics (formerly Invitae), Labcorp).